The following is an entry in ClinVar:

NM_001148.6(ANK2):c.694A>T (p.Ser232Cys)

Gene: ANK2 (ankyrin 2; plus strand). Cytogenetic location: 4q26.
Variant type: single nucleotide variant.
Coding change: c.694A>T on transcript NM_001148.6 (MANE Select); coding-DNA position 694, A replaced by T.
Protein change: p.Ser232Cys; replaces serine 232 with cysteine.
Molecular consequence: missense variant.
Genome position (GRCh38, 1-based): chr4:113,240,485, A>T. VCF-style: chr4-113240485-A-T. GRCh37 (hg19) VCF-style: chr4-114161641-A-T.
Other names: c.631A>T, p.Ser211Cys (NM_001127493.3, NM_001354239.2, NM_001354243.2 and 14 more transcripts); c.694A>T, p.Ser232Cys (NM_001354225.2, NM_001354228.2, NM_001354232.2 and 9 more transcripts); c.739A>T, p.Ser247Cys (NM_001354230.2, NM_001354231.2, NM_001354237.2 and 5 more transcripts); c.607A>T, p.Ser203Cys (NM_001354260.2, NM_001354264.2, NM_001354266.2 and 16 more transcripts); c.652A>T, p.Ser218Cys (NM_001354261.2, NM_001386147.1, NM_001386160.1); c.682A>T, p.Ser228Cys (NM_001354269.3, NM_001386148.2, NM_001386186.2); c.745A>T, p.Ser249Cys (NM_001386174.1); c.721A>T, p.Ser241Cys (NM_001386175.1); and 1 more; short protein forms S211C, S220C, S218C, S228C, S232C, S247C, S241C, S249C.
Identifiers: ClinVar variation 3721452 (VCV003721452.2).

ClinVar aggregate classification (germline): Uncertain significance (1 of 4 stars; one submission).

Conditions:
Long QT syndrome (LQTS). Identifiers: MedGen C0023976, MeSH D008133, MONDO:0002442. Disease mechanism: loss of function. Inheritance: Various modes of inheritance.

Submission:

Labcorp Genetics (formerly Invitae), Labcorp
Classification: Uncertain significance for Long QT syndrome. Last evaluated: 2025-01-07. Review status: criteria provided, single submitter. Criteria: Invitae Variant Classification Sherloc (09022015). Collection method: clinical testing. Allele origin: germline.
Comment: This sequence change replaces serine, which is neutral and polar, with cysteine, which is neutral and slightly polar, at codon 232 of the ANK2 protein (p.Ser232Cys). This variant is not present in population databases (gnomAD no frequency). This variant has not been reported in the literature in individuals affected with ANK2-related conditions. An algorithm developed to predict the effect of missense changes on protein structure and function (PolyPhen-2) suggests that this variant is likely to be disruptive. In summary, the available evidence is currently insufficient to determine the role of this variant in disease. Therefore, it has been classified as a Variant of Uncertain Significance.